The following is an entry in ClinVar:

ClinVar aggregate classification (germline): Pathogenic (1 of 4 stars; one submission).

Submission:

CeGaT Center for Human Genetics Tuebingen
Classification: Pathogenic. Last evaluated: 2026-06-01. Review status: criteria provided, single submitter. Criteria: CeGaT Center For Human Genetics Tuebingen Variant Classification Criteria Version 2. Collection method: clinical testing. Allele origin: germline. Affected: yes. Observed: 2 variant alleles.
Comment: SPG11: PVS1, PM2

NM_025137.4(SPG11):c.2433del (p.Gln811fs)

Gene: SPG11 (SPG11 vesicle trafficking associated, spatacsin; minus strand). Cytogenetic location: 15q21.1.
Variant type: Deletion.
Coding change: c.2433del on transcript NM_025137.4 (MANE Select); coding-DNA position 2433, one base deleted (G; older notation c.2433delG).
Protein change: p.Gln811fs; shifts the reading frame from glutamine 811.
Molecular consequence: frameshift variant.
Genome position (GRCh38, 1-based): chr15:44,622,231, C deleted on the plus strand (G on the coding strand, the reverse complement: SPG11 is on the minus strand). VCF-style (leftmost placement, unchanged base first): chr15-44622230-AC-A. GRCh37 (hg19) VCF-style: chr15-44914428-AC-A.
Other names: c.2433del, p.Gln811fs (NM_001160227.2, NM_001411132.1); short protein forms Q811fs.
Identifiers: ClinVar variation 4823197 (VCV004823197.4).
Genomic context (GRCh38, chr15:44,622,230, plus strand): 5'-TACTATCTAACGGTATTCTAATATTATCAAAAGAGGACTAATGAGACTACCTGGGAAATG[AC>A]TGGATTTGCATATTTTCTTGGAAATGTCCCAAATAAAGCTTCTCAACTTGATGCACGAAG-3'